The following is an entry in ClinVar:

ClinVar aggregate classification (germline): Uncertain significance. Review status: criteria provided, multiple submitters, no conflicts (2 of 4 stars). 4 submissions from 4 submitters: Uncertain significance (4). Last evaluated 2025-09-10.

Conditions:
Hereditary spastic paraplegia 77. Also called: Spastic paraplegia 77, autosomal recessive. Identifiers: Orphanet 466722, MedGen C5569007, MONDO:0014882, OMIM 617046.
Combined oxidative phosphorylation defect type 14. Also called: Combined oxidative phosphorylation deficiency 14. Identifiers: Orphanet 319519, MedGen C4755312, MONDO:0013986, OMIM 614946.
Inborn genetic diseases. Identifiers: MedGen C0950123, MeSH D030342.

Allele frequency attached by ClinVar (database versions not stated): TOPMed 0.00002.
gnomAD v4.1: 66 of 1,613,438 alleles (0.0041%); highest among the groups gnomAD compares: Non-Finnish European, 0.005%; no homozygotes.

Submissions (4):

Mayo Clinic Laboratories, Mayo Clinic
Classification: Uncertain significance. Last evaluated: 2025-09-10. Review status: criteria provided, single submitter. Criteria: ACMG Guidelines, 2015. Collection method: clinical testing. Allele origin: germline. Observed: 1 variant allele.
Comment: BP4_moderate

Labcorp Genetics (formerly Invitae), Labcorp
Classification: Uncertain significance for Combined oxidative phosphorylation defect type 14. Last evaluated: 2025-08-03. Review status: criteria provided, single submitter. Criteria: Invitae Variant Classification Sherloc (09022015). Collection method: clinical testing. Allele origin: germline.
Comment: This sequence change replaces isoleucine, which is neutral and non-polar, with leucine, which is neutral and non-polar, at codon 261 of the FARS2 protein (p.Ile261Leu). This variant is present in population databases (rs201927340, gnomAD 0.006%). This variant has not been reported in the literature in individuals affected with FARS2-related conditions. ClinVar contains an entry for this variant (Variation ID: 540536). Invitae Evidence Modeling of protein sequence and biophysical properties (such as structural, functional, and spatial information, amino acid conservation, physicochemical variation, residue mobility, and thermodynamic stability) indicates that this missense variant is not expected to disrupt FARS2 protein function with a negative predictive value of 95%. In summary, the available evidence is currently insufficient to determine the role of this variant in disease. Therefore, it has been classified as a Variant of Uncertain Significance.

Department of Pathology and Laboratory Medicine, Sinai Health System
Classification: Uncertain significance for Combined oxidative phosphorylation defect type 14; Hereditary spastic paraplegia 77. Last evaluated: 2023-05-31. Review status: criteria provided, single submitter. Criteria: ACMG Guidelines, 2015. Collection method: research. Allele origin: germline.

Ambry Genetics
Classification: Uncertain significance for Inborn genetic diseases. Last evaluated: 2021-11-15. Review status: criteria provided, single submitter. Criteria: Ambry Variant Classification Scheme 2023. Collection method: clinical testing. Allele origin: germline.

NM_006567.5(FARS2):c.781A>T (p.Ile261Leu)

Gene: FARS2 (phenylalanyl-tRNA synthetase 2, mitochondrial; plus strand). Cytogenetic location: 6p25.1.
Variant type: single nucleotide variant.
Coding change: c.781A>T on transcript NM_006567.5 (MANE Select); coding-DNA position 781, A replaced by T.
Protein change: p.Ile261Leu; replaces isoleucine 261 with leucine.
Molecular consequence: missense variant. On other transcripts: intron variant (1).
Genome position (GRCh38, 1-based): chr6:5,431,049, A>T. VCF-style: chr6-5431049-A-T. GRCh37 (hg19) VCF-style: chr6-5431282-A-T.
Other names: p.Ile261Leu; c.781A>T, p.Ile261Leu (NM_001318872.2, NM_001374875.1, NM_001374876.1 and 4 more transcripts); c.85A>T, p.Ile29Leu (NM_001375259.1, NM_001375260.1); c.772+26348A>T (NM_001375258.1); short protein forms I261L, I29L.
Identifiers: ClinVar variation 540536 (VCV000540536.13), dbSNP rs201927340, ClinGen allele CA3623756.